The following is an entry in ClinVar:

ClinVar aggregate classification (germline): Pathogenic (1 of 4 stars; one submission).

Submission:

Labcorp Genetics (formerly Invitae), Labcorp
Classification: Pathogenic. Last evaluated: 2022-04-16. Review status: criteria provided, single submitter. Criteria: Invitae Variant Classification Sherloc (09022015). Collection method: clinical testing. Allele origin: germline.
Comment: For these reasons, this variant has been classified as Pathogenic. This variant has not been reported in the literature in individuals affected with VPS13D-related conditions. This variant is not present in population databases (gnomAD no frequency). This sequence change creates a premature translational stop signal (p.Ser4167Argfs*6) in the VPS13D gene. It is expected to result in an absent or disrupted protein product. Loss-of-function variants in VPS13D are known to be pathogenic (PMID: 29518281).

Literature cited by the submitters: PubMed 29518281.

NM_015378.4(VPS13D):c.12499del (p.Ser4167fs)

Gene: VPS13D (vacuolar protein sorting 13 homolog D; plus strand). Cytogenetic location: 1p36.22.
Variant type: Deletion.
Coding change: c.12499del on transcript NM_015378.4 (MANE Select); coding-DNA position 12499, one base deleted (T; older notation c.12499delT).
Protein change: p.Ser4167fs; shifts the reading frame from serine 4167.
Molecular consequence: frameshift variant.
Genome position (GRCh38, 1-based): chr1:12,460,233, T deleted; the last of 2 consecutive T bases (chr1:12,460,232-12,460,233); deleting either gives the same sequence. VCF-style (leftmost placement, unchanged base first): chr1-12460231-CT-C. GRCh37 (hg19) VCF-style: chr1-12520286-CT-C.
Other names: c.12424del, p.Ser4142fs (NM_018156.4); short protein forms S4142fs, S4167fs.
Identifiers: ClinVar variation 2126854 (VCV002126854.4), dbSNP rs1426192255, ClinGen allele CA887646284.